The following is an entry in ClinVar:

ClinVar aggregate classification (germline): Uncertain significance (1 of 4 stars; one submission).

Conditions:
Familial acute necrotizing encephalopathy (IIAE3). Also called: ENCEPHALOPATHY, ACUTE, INFECTION-INDUCED, SUSCEPTIBILITY TO, 3; Susceptibility to Acute Necrotizing Encephalopathy 1. Identifiers: Orphanet 88619, MedGen C2675556, MONDO:0011953, OMIM 608033.

gnomAD v4.1: 39 of 1,611,874 alleles (0.0024%); highest among the groups gnomAD compares: Non-Finnish European, 0.0032%; no homozygotes.

Submission:

Labcorp Genetics (formerly Invitae), Labcorp
Classification: Uncertain significance for Familial acute necrotizing encephalopathy. Last evaluated: 2024-04-09. Review status: criteria provided, single submitter. Criteria: Invitae Variant Classification Sherloc (09022015). Collection method: clinical testing. Allele origin: germline.
Comment: This sequence change replaces proline, which is neutral and non-polar, with threonine, which is neutral and polar, at codon 545 of the RANBP2 protein (p.Pro545Thr). This variant is present in population databases (rs773341637, gnomAD 0.003%). This variant has not been reported in the literature in individuals affected with RANBP2-related conditions. An algorithm developed to predict the effect of missense changes on protein structure and function (PolyPhen-2) suggests that this variant is likely to be tolerated. In summary, the available evidence is currently insufficient to determine the role of this variant in disease. Therefore, it has been classified as a Variant of Uncertain Significance.

NM_006267.5(RANBP2):c.1633C>A (p.Pro545Thr)

Gene: RANBP2 (RAN binding protein 2; plus strand). Cytogenetic location: 2q13.
Variant type: single nucleotide variant.
Coding change: c.1633C>A on transcript NM_006267.5 (MANE Select); coding-DNA position 1633, C replaced by A.
Protein change: p.Pro545Thr; replaces proline 545 with threonine.
Molecular consequence: missense variant.
Genome position (GRCh38, 1-based): chr2:108,751,872, C>A. VCF-style: chr2-108751872-C-A. GRCh37 (hg19) VCF-style: chr2-109368328-C-A.
Other names: c.1633C>A, p.Pro545Thr (NM_001415871.1, NM_001415873.1); c.1630C>A, p.Pro544Thr (NM_001415872.1); short protein forms P544T, P545T.
Identifiers: ClinVar variation 3715258 (VCV003715258.2).
Genomic context (GRCh38, chr2:108,751,872, plus strand): 5'-ATGTAAGCCCTGAACTGTGTATTTAGAAAGCAATTTTAGTAAATTGAACTATTTTTTAGA[C>A]CTGGAAACGTAGCAAAATTGAGACTTCTAGTTCAGCATGAAATAAACACTCTAAGAGCCC-3'
Protein context (NP_006258.3, residues 535-555): VCTLIHRKAV[Pro545Thr]GNVAKLRLLV